The following is an entry in ClinVar:

ClinVar aggregate classification (germline): Pathogenic (1 of 4 stars; one submission).

Conditions:
Hereditary factor VIII deficiency disease (HEMA). Also called: HEMOPHILIA, CLASSIC; Hemophilia A, congenital; HEM A; Factor 8 deficiency, congenital; AUTOSOMAL HEMOPHILIA A; Hemophilia A. Identifiers: Orphanet 98878, MedGen C0019069, MONDO:0010602, OMIM 306700.

Submission:

Human Genetic Diversity Lab, University of the Republic of Uruguay
Classification: Pathogenic for Hereditary factor VIII deficiency disease. Last evaluated: 2026-02-02. Review status: criteria provided, single submitter. Criteria: ACMG Guidelines, 2015. Collection method: research. Allele origin: de novo, germline. Inheritance: X-linked inheritance. Affected: yes. Observed: 1 variant allele, 2 hemizygotes.
Comment: This variant p.Ser806Profs*6 is a null variant that produces a premature stop codon in exon 14. Therefore, it is classified as PSV1 by the ACMG/AMP, it is in the specific gene for hemophilia A and found in a patient with a severe phenotype of hemophilia A. The Patient's phenotype is highly specific for gene. The variant is not found in population databases. The novel variant is not reported in the databases of patients with hemophilia. EAHAD and CHAMP variant list (CDC).

Literature cited by the submitters: DOI 10.1111/hae.13947.

NM_000132.4(F8):c.2413_2414dup (p.Ser806fs)

Gene: F8 (coagulation factor VIII; minus strand). Cytogenetic location: Xq28.
Variant type: Microsatellite.
Coding change: c.2413_2414dup on transcript NM_000132.4 (MANE Select); coding-DNA positions 2413 to 2414, 2 bases duplicated (TC; older notation c.2413_2414dupTC).
Protein change: p.Ser806fs; shifts the reading frame from serine 806.
Molecular consequence: frameshift variant.
Genome position (GRCh38, 1-based): chrX:154,931,376-154,931,377, GA duplicated on the plus strand (TC on the coding strand, the reverse complement: F8 is on the minus strand); duplicating any 2 consecutive bases within chrX:154,931,376-154,931,379 gives the same sequence; the c. name uses the placement nearest the transcript's 3' end. VCF-style (leftmost placement, unchanged base first): chrX-154931375-G-GGA. GRCh37 (hg19) VCF-style: chrX-154159650-G-GGA.
Other names: c.2414_2415insTC (NM_000132.4); short protein forms S806fs.
Identifiers: ClinVar variation 4756107 (VCV004756107.1).